The following is an entry in ClinVar:

NM_152443.3(RDH12):c.490G>A (p.Val164Met)

Genes: GPHN (gephyrin; plus strand), RDH12 (retinol dehydrogenase 12; plus strand). Cytogenetic location: 14q24.1.
Variant type: single nucleotide variant.
Coding change: c.490G>A on transcript NM_152443.3 (MANE Select); coding-DNA position 490, G replaced by A.
Protein change: p.Val164Met; replaces valine 164 with methionine.
Molecular consequence: missense variant.
Genome position (GRCh38, 1-based): chr14:67,727,022, G>A. VCF-style: chr14-67727022-G-A. GRCh37 (hg19) VCF-style: chr14-68193739-G-A.
Other names: c.490G>A (NM_152443.2); short protein forms V164M.
Identifiers: ClinVar variation 2158819 (VCV002158819.4), dbSNP rs114021577, ClinGen allele CA7238730.
Genomic context (GRCh38, chr14:67,727,022, plus strand): 5'-CTGCTGGCTCTCCTCACAGGCCACTTCCTCCTCACCTACCTGCTCCTGGAGCGGCTAAAG[G>A]TGTCTGCCCCTGCACGGGTGGTTAATGTGTCCTCGGTGGCTCACCACATTGGCAAGATTC-3'
Protein context (NP_689656.2, residues 154-174): LTYLLLERLK[Val164Met]SAPARVVNVS

ClinVar aggregate classification (germline): Uncertain significance. Review status: criteria provided, multiple submitters, no conflicts (2 of 4 stars). 2 submissions from 2 submitters: Uncertain significance (2). Last evaluated 2026-01-05.

Conditions:
RDH12-related disorder. Also called: RDH12-related condition; RDH12-related disorders.
Leber congenital amaurosis 13 (LCA13). Identifiers: MedGen C2675186, MONDO:0012990, OMIM 612712.

Allele frequency attached by ClinVar (database versions not stated): gnomAD exomes 0.00001; ExAC 0.00003; gnomAD 0.00005; TOPMed 0.00005; ESP Exome Variant Server 0.00008; 1000 Genomes Project 30x 0.00031; 1000 Genomes Project 0.00040.
gnomAD v4.1: 13 of 1,613,422 alleles (0.00081%); highest among the groups gnomAD compares: African/African-American, 0.017%; no homozygotes.

Submissions (2):

Labcorp Genetics (formerly Invitae), Labcorp
Classification: Uncertain significance for Leber congenital amaurosis 13. Last evaluated: 2026-01-05. Review status: criteria provided, single submitter. Criteria: Invitae Variant Classification Sherloc (09022015). Collection method: clinical testing. Allele origin: germline.
Comment: This sequence change replaces valine, which is neutral and non-polar, with methionine, which is neutral and non-polar, at codon 164 of the RDH12 protein (p.Val164Met). This variant is present in population databases (rs114021577, gnomAD 0.02%). This variant has not been reported in the literature in individuals affected with RDH12-related conditions. ClinVar contains an entry for this variant (Variation ID: 2158819). Invitae Evidence Modeling of protein sequence and biophysical properties (such as structural, functional, and spatial information, amino acid conservation, physicochemical variation, residue mobility, and thermodynamic stability) indicates that this missense variant is not expected to disrupt RDH12 protein function with a negative predictive value of 80%. In summary, the available evidence is currently insufficient to determine the role of this variant in disease. Therefore, it has been classified as a Variant of Uncertain Significance.

PreventionGenetics, part of Exact Sciences
Classification: Uncertain significance for RDH12-related condition. Last evaluated: 2025-04-03. Review status: criteria provided, single submitter. Criteria: ACMG Guidelines, 2015. Collection method: clinical testing. Allele origin: germline.
Comment: The RDH12 c.490G>A variant is predicted to result in the amino acid substitution p.Val164Met. To our knowledge, this variant has not been reported in the literature. This variant is present in 0.024% of alleles in individuals of African descent in gnomAD. At this time, the clinical significance of this variant is uncertain due to the absence of conclusive functional and genetic evidence.